The following is an entry in ClinVar:

NM_018206.6(VPS35):c.1804G>A (p.Val602Ile)

Gene: VPS35 (VPS35 retromer complex component; minus strand). Cytogenetic location: 16q11.2.
Variant type: single nucleotide variant.
Coding change: c.1804G>A on transcript NM_018206.6 (MANE Select); coding-DNA position 1804, G replaced by A.
Protein change: p.Val602Ile; replaces valine 602 with isoleucine.
Molecular consequence: missense variant.
Genome position (GRCh38, 1-based): chr16:46,663,006, C>T on the plus strand (G>A on the coding strand, the complement: VPS35 is on the minus strand). VCF-style: chr16-46663006-C-T. GRCh37 (hg19) VCF-style: chr16-46696918-C-T.
Other names: short protein forms V602I.
Identifiers: ClinVar variation 1359994 (VCV001359994.6), dbSNP rs896243488, ClinGen allele CA280206083.

ClinVar aggregate classification (germline): Uncertain significance (1 of 4 stars; one submission).

Conditions:
Parkinson disease 17 (PARK17). Also called: VPS35-Related Parkinson Disease. Identifiers: Orphanet 411602, MedGen C3280133, MONDO:0013625, OMIM 614203.

gnomAD v4.1: 1 of 1,614,214 alleles (0.000062%); no homozygotes.

Submission:

Labcorp Genetics (formerly Invitae), Labcorp
Classification: Uncertain significance for Parkinson disease 17. Last evaluated: 2022-08-09. Review status: criteria provided, single submitter. Criteria: Invitae Variant Classification Sherloc (09022015). Collection method: clinical testing. Allele origin: germline.
Comment: In summary, the available evidence is currently insufficient to determine the role of this variant in disease. Therefore, it has been classified as a Variant of Uncertain Significance. Algorithms developed to predict the effect of missense changes on protein structure and function (SIFT, PolyPhen-2, Align-GVGD) all suggest that this variant is likely to be tolerated. This sequence change replaces valine, which is neutral and non-polar, with isoleucine, which is neutral and non-polar, at codon 602 of the VPS35 protein (p.Val602Ile). This variant is not present in population databases (gnomAD no frequency). This variant has not been reported in the literature in individuals affected with VPS35-related conditions. ClinVar contains an entry for this variant (Variation ID: 1359994).